The following is an entry in ClinVar:

NM_004336.5(BUB1):c.1717G>C (p.Glu573Gln)

Gene: BUB1 (BUB1 mitotic checkpoint serine/threonine kinase; minus strand). Cytogenetic location: 2q13.
Variant type: single nucleotide variant.
Coding change: c.1717G>C on transcript NM_004336.5 (MANE Select); coding-DNA position 1717, G replaced by C.
Protein change: p.Glu573Gln; replaces glutamic acid 573 with glutamine.
Molecular consequence: missense variant.
Genome position (GRCh38, 1-based): chr2:110,655,898, C>G on the plus strand (G>C on the coding strand, the complement: BUB1 is on the minus strand). VCF-style: chr2-110655898-C-G. GRCh37 (hg19) VCF-style: chr2-111413475-C-G.
Other names: c.1657G>C, p.Glu553Gln (NM_001278616.2); c.1717G>C, p.Glu573Gln (NM_001278617.2); short protein forms E573Q, E553Q.
Identifiers: ClinVar variation 1778656 (VCV001778656.2), dbSNP rs773770253, ClinGen allele CA1827990.

ClinVar aggregate classification (germline): Uncertain significance (1 of 4 stars; one submission).

Allele frequency attached by ClinVar (database versions not stated): TOPMed 0.00005; gnomAD 0.00009.
gnomAD v4.1: 24 of 1,613,096 alleles (0.0015%); highest among the groups gnomAD compares: Admixed American, 0.04%; no homozygotes.

Submission:

Ambry Genetics
Classification: Uncertain significance. Last evaluated: 2023-12-29. Review status: criteria provided, single submitter. Criteria: Ambry Variant Classification Scheme 2023. Collection method: clinical testing. Allele origin: germline.
Comment: The p.E573Q variant (also known as c.1717G>C), located in coding exon 16 of the BUB1 gene, results from a G to C substitution at nucleotide position 1717. The glutamic acid at codon 573 is replaced by glutamine, an amino acid with highly similar properties. This amino acid position is conserved. In addition, this alteration is predicted to be tolerated by in silico analysis. Since supporting evidence is limited at this time, the clinical significance of this alteration remains unclear.